The following is an entry in ClinVar:

NM_001031710.3(KLHL7):c.1380-1G>C

Gene: KLHL7 (kelch like family member 7; plus strand). Cytogenetic location: 7p15.3.
Variant type: single nucleotide variant.
Coding change: c.1380-1G>C on transcript NM_001031710.3 (MANE Select); the canonical splice acceptor site of the intron before coding-DNA position 1380, G replaced by C.
Molecular consequence: splice acceptor variant.
Genome position (GRCh38, 1-based): chr7:23,172,947, G>C. VCF-style: chr7-23172947-G-C. GRCh37 (hg19) VCF-style: chr7-23212566-G-C.
Other names: c.1236-1G>C (NM_018846.5).
Identifiers: ClinVar variation 2872081 (VCV002872081.3), dbSNP rs1241667469, ClinGen allele CA366982111.

ClinVar aggregate classification (germline): Likely pathogenic (1 of 4 stars; one submission).

Allele frequency attached by ClinVar (database versions not stated): gnomAD exomes below 0.00001; TOPMed below 0.00001; gnomAD 0.00001.
gnomAD v4.1: 4 of 1,611,958 alleles (0.00025%); highest among the groups gnomAD compares: Non-Finnish European, 0.00034%; no homozygotes.

Submission:

Labcorp Genetics (formerly Invitae), Labcorp
Classification: Likely pathogenic. Last evaluated: 2024-12-02. Review status: criteria provided, single submitter. Criteria: Invitae Variant Classification Sherloc (09022015). Collection method: clinical testing. Allele origin: germline.
Comment: This sequence change affects an acceptor splice site in intron 9 of the KLHL7 gene. It is expected to disrupt RNA splicing. Variants that disrupt the donor or acceptor splice site typically lead to a loss of protein function (PMID: 16199547), and loss-of-function variants in KLHL7 are known to be pathogenic (PMID: 27392078, 29074562, 30426380, 31953236). This variant is not present in population databases (gnomAD no frequency). This variant has not been reported in the literature in individuals affected with KLHL7-related conditions. ClinVar contains an entry for this variant (Variation ID: 2872081). Algorithms developed to predict the effect of sequence changes on RNA splicing suggest that this variant may disrupt the consensus splice site. In summary, the currently available evidence indicates that the variant is pathogenic, but additional data are needed to prove that conclusively. Therefore, this variant has been classified as Likely Pathogenic.

Literature cited by the submitters: PubMed 16199547; PubMed 27392078; PubMed 29074562; PubMed 30426380; PubMed 31953236.